The following is an entry in ClinVar:

ClinVar aggregate classification (germline): Pathogenic/Likely pathogenic. Review status: criteria provided, multiple submitters, no conflicts (2 of 4 stars). 3 submissions from 3 submitters: Pathogenic (2); Likely pathogenic (1). Last evaluated 2025-11-05.

Conditions:
Pheochromocytoma. Also called: MAX-Related Hereditary Paraganglioma-Pheochromocytoma Syndrome. Identifiers: Orphanet 29072, MedGen C0031511, MONDO:0008233, OMIM 171300, HP:0002666.
Hereditary pheochromocytoma and paraganglioma. Also called: Hereditary Paraganglioma-Pheochromocytoma Syndromes; Hereditary pheochromocytoma-paraganglioma; Hereditary paragangliomas and pheochromocytomas. Identifiers: Orphanet 29072, MedGen C4274332, MONDO:0017366.

Submissions (3):

Quest Diagnostics Nichols Institute San Juan Capistrano
Classification: Likely pathogenic. Last evaluated: 2025-11-05. Review status: criteria provided, single submitter. Criteria: Quest Diagnostics criteria. Collection method: clinical testing. Allele origin: unknown.
Comment: The TMEM127 c.115_116del (p.Leu39Valfs*68) variant alters the translational reading frame of the TMEM127 mRNA and is predicted to cause the premature termination of TMEM127 protein synthesis. This variant has not been reported in individuals with TMEM127-related conditions in the published literature. This variant has not been reported in large, multi-ethnic general populations (Genome Aggregation Database). Based on the available information, this variant is classified as likely pathogenic.

Genomic Medicine Center of Excellence, King Faisal Specialist Hospital and Research Centre
Classification: Pathogenic for Pheochromocytoma. Last evaluated: 2024-12-18. Review status: criteria provided, single submitter. Criteria: ACMG Guidelines, 2015. Collection method: clinical testing. Allele origin: germline.

Labcorp Genetics (formerly Invitae), Labcorp
Classification: Pathogenic for Hereditary pheochromocytoma and paraganglioma. Last evaluated: 2023-10-18. Review status: criteria provided, single submitter. Criteria: Invitae Variant Classification Sherloc (09022015). Collection method: clinical testing. Allele origin: germline.
Comment: This sequence change creates a premature translational stop signal (p.Leu39Valfs*68) in the TMEM127 gene. It is expected to result in an absent or disrupted protein product. Loss-of-function variants in TMEM127 are known to be pathogenic (PMID: 20154675, 21156949). This variant is not present in population databases (gnomAD no frequency). This variant has not been reported in the literature in individuals affected with TMEM127-related conditions. For these reasons, this variant has been classified as Pathogenic.

Literature cited by the submitters: PubMed 20154675 (cited by Labcorp Genetics (formerly Invitae), Labcorp); PubMed 21156949 (cited by Labcorp Genetics (formerly Invitae), Labcorp).

NM_017849.4(TMEM127):c.115_116del (p.Leu39fs)

Genes: TMEM127 (transmembrane protein 127; minus strand), LOC129934333 (ATAC-STARR-seq lymphoblastoid silent region 11759; plus strand). Cytogenetic location: 2q11.2.
Variant type: Deletion.
Coding change: c.115_116del on transcript NM_017849.4 (MANE Select); coding-DNA positions 115 to 116, 2 bases deleted (CT; older notation c.115_116delCT).
Protein change: p.Leu39fs; shifts the reading frame from leucine 39.
Molecular consequence: frameshift variant. On other transcripts: intron variant (1).
Genome position (GRCh38, 1-based): chr2:96,265,266-96,265,267, AG deleted on the plus strand (CT on the coding strand, the reverse complement: TMEM127 is on the minus strand). VCF-style (leftmost placement, unchanged base first): chr2-96265265-CAG-C. GRCh37 (hg19) VCF-style: chr2-96931003-CAG-C.
Other names: c.115_116del, p.Leu39fs (NM_001193304.3); c.-9+602_-9+603del (NM_001407283.1); c.115_116del (NM_017849.3); short protein forms L39fs.
Identifiers: ClinVar variation 2817480 (VCV002817480.5), dbSNP rs2467285734, ClinGen allele CA2739271179.
Genomic context (GRCh38, chr2:96,265,265, plus strand): 5'-GCCTCCGTGGATGTGCAACCAGGCGGGCTCGGCGAGGGCAGTGCACAGCGCCGTGATAGA[CAG>C]GGCGCCAGGCAGGGCCGAGGCCAGGCTACGCTCCGGCTGCTTGGGCAGAGCGCTGCCTCC-3'